The following is an entry in ClinVar:

NM_000152.5(GAA):c.1395G>A (p.Gly465=)

Gene: GAA (alpha glucosidase; plus strand). Cytogenetic location: 17q25.3.
Variant type: single nucleotide variant.
Coding change: c.1395G>A on transcript NM_000152.5 (MANE Select); coding-DNA position 1395, G replaced by A.
Protein change: p.Gly465=; no amino-acid change (glycine 465 retained).
Molecular consequence: synonymous variant.
Genome position (GRCh38, 1-based): chr17:80,110,013, G>A. VCF-style: chr17-80110013-G-A. GRCh37 (hg19) VCF-style: chr17-78083812-G-A.
Other names: c.1395G>A, p.Gly465= (NM_001079803.3, NM_001079804.3).
Identifiers: ClinVar variation 1623007 (VCV001623007.9), dbSNP rs2143866655, ClinGen allele CA502178422.
Genomic context (GRCh38, chr17:80,110,013, plus strand): 5'-CATCAGCAGCTCGGGCCCTGCCGGGAGCTACAGGCCCTACGACGAGGGTCTGCGGAGGGG[G>A]GTTTTCATCACCAACGAGACCGGCCAGCCGCTGATTGGGAAGGTAGGGCGAGGGTCCAGG-3'
Protein context (NP_000143.2, residues 455-475): YRPYDEGLRR[Gly465=]VFITNETGQP

ClinVar aggregate classification (germline): Likely benign. Review status: criteria provided, multiple submitters, no conflicts (2 of 4 stars). 2 submissions from 2 submitters: Likely benign (2). Last evaluated 2026-07-01.

Conditions:
Glycogen storage disease, type II (IOPD). Also called: CARDIOMEGALIA GLYCOGENICA DIFFUSA; GLYCOGENOSIS, GENERALIZED, CARDIAC FORM; GSD II; Glycogen storage disease type 2; Acid maltase deficiency disease; Aglucosidase alfa. Identifiers: Orphanet 365, MedGen C0017921, MONDO:0009290, OMIM 232300.

Submissions (2):

Genomenon, Inc
Classification: Likely benign for Glycogen storage disease, type II. Last evaluated: 2026-07-01. Review status: criteria provided, single submitter. Criteria: Genomenon Sequence Variant Interpretation Standards - Updated. Collection method: curation. Allele origin: germline. Affected: no.
Comment: GAA c.1395G>A is a synonymous variant that retains Glycine at codon 465. This variant has been reported in the published literature (PMID:10338092). It is absent or not present at a significant frequency in gnomAD. This variant is not predicted to impact splicing. In conclusion, we classify GAA c.1395G>A (p.Gly465=) as a likely benign variant.

Labcorp Genetics (formerly Invitae), Labcorp
Classification: Likely benign for Glycogen storage disease, type II. Last evaluated: 2025-05-22. Review status: criteria provided, single submitter. Criteria: Invitae Variant Classification Sherloc (09022015). Collection method: clinical testing. Allele origin: germline.

Literature cited by the submitters: PubMed 10338092 (cited by Genomenon, Inc).